The following is an entry in ClinVar:

ClinVar aggregate classification (germline): Likely benign. Review status: criteria provided, single submitter (1 of 4 stars). 2 submissions from 2 submitters: Likely benign (1). 1 of the submissions does not count toward it. Last evaluated 2022-02-14.

Conditions:
CNGA1-related disorder. Also called: CNGA1-related condition.

Allele frequency attached by ClinVar (database versions not stated): gnomAD exomes below 0.00001.
gnomAD v4.1: 1 of 1,614,190 alleles (0.000062%); highest among the groups gnomAD compares: East Asian, 0.0022%; no homozygotes.

Submissions (2):

Labcorp Genetics (formerly Invitae), Labcorp
Classification: Likely benign. Last evaluated: 2022-02-14. Review status: criteria provided, single submitter. Criteria: Invitae Variant Classification Sherloc (09022015). Collection method: clinical testing. Allele origin: germline.

PreventionGenetics, part of Exact Sciences
Classification: Likely benign for CNGA1-related condition. Last evaluated: 2021-05-04. Review status: no assertion criteria provided. Collection method: clinical testing. Allele origin: germline. Not counted in ClinVar's aggregate classification.
Comment: This variant is classified as likely benign based on ACMG/AMP sequence variant interpretation guidelines (Richards et al. 2015 PMID: 25741868, with internal and published modifications).

NM_001379270.1(CNGA1):c.1305C>T (p.Asp435=)

Genes: CNGA1 (cyclic nucleotide gated channel subunit alpha 1; minus strand), LOC101927157 (uncharacterized LOC101927157; plus strand). Cytogenetic location: 4p12.
Variant type: single nucleotide variant.
Coding change: c.1305C>T on transcript NM_001379270.1 (MANE Select); coding-DNA position 1305, C replaced by T.
Protein change: p.Asp435=; no amino-acid change (aspartic acid 435 retained).
Molecular consequence: synonymous variant.
Genome position (GRCh38, 1-based): chr4:47,937,177, G>A on the plus strand (C>T on the coding strand, the complement: CNGA1 is on the minus strand). VCF-style: chr4-47937177-G-A. GRCh37 (hg19) VCF-style: chr4-47939194-G-A.
Other names: c.1305C>T, p.Asp435= (NM_000087.5, NM_001142564.2); c.1317C>T (NM_000087.3).
Identifiers: ClinVar variation 1653946 (VCV001653946.10), dbSNP rs1233322894, ClinGen allele CA439404090.